The following is an entry in ClinVar:

NM_001042603.3(KDM5A):c.4673A>T (p.Glu1558Val)

Gene: KDM5A (lysine demethylase 5A; minus strand). Cytogenetic location: 12p13.33.
Variant type: single nucleotide variant.
Coding change: c.4673A>T on transcript NM_001042603.3 (MANE Select); coding-DNA position 4673, A replaced by T.
Protein change: p.Glu1558Val; replaces glutamic acid 1558 with valine.
Molecular consequence: missense variant.
Genome position (GRCh38, 1-based): chr12:292,952, T>A on the plus strand (A>T on the coding strand, the complement: KDM5A is on the minus strand). VCF-style: chr12-292952-T-A. GRCh37 (hg19) VCF-style: chr12-402118-T-A.
Other names: short protein forms E1558V.
Identifiers: ClinVar variation 713353 (VCV000713353.6), dbSNP rs114476959, ClinGen allele CA6378521.

ClinVar aggregate classification (germline): Benign. Review status: criteria provided, multiple submitters, no conflicts (2 of 4 stars). 3 submissions from 3 submitters: Benign (2). 1 of the submissions does not count toward it. Last evaluated 2018-06-05.

Conditions:
KDM5A-related disorder. Also called: KDM5A-related condition.

Allele frequency attached by ClinVar (database versions not stated): ExAC 0.00226; gnomAD exomes 0.00254; ESP Exome Variant Server 0.00466; gnomAD 0.00531 and 0.00575; 1000 Genomes Project 0.00619; 1000 Genomes Project 30x 0.00640; TOPMed 0.00643.
gnomAD v4.1: 3,107 of 1,613,554 alleles (0.19%); highest among the groups gnomAD compares: African/African-American, 1.6%; 22 homozygotes.

Submissions (3):

Labcorp Genetics (formerly Invitae), Labcorp
Classification: Benign. Last evaluated: 2018-06-05. Review status: criteria provided, single submitter. Criteria: Invitae Variant Classification Sherloc (09022015). Collection method: clinical testing. Allele origin: germline.

Breakthrough Genomics
Classification: Benign. Review status: criteria provided, single submitter. Criteria: ACMG Guidelines, 2015. Collection method: not provided. Allele origin: germline. Inheritance: Unknown mechanism. Affected: yes.

PreventionGenetics, part of Exact Sciences
Classification: Benign for KDM5A-related condition. Last evaluated: 2019-06-06. Review status: no assertion criteria provided. Collection method: clinical testing. Allele origin: germline. Not counted in ClinVar's aggregate classification.
Comment: This variant is classified as benign based on ACMG/AMP sequence variant interpretation guidelines (Richards et al. 2015 PMID: 25741868, with internal and published modifications).